The following is an entry in ClinVar:

NM_001987.5(ETV6):c.724_730delinsG (p.Asn242_His244delinsAsp)

Gene: ETV6 (ETS variant transcription factor 6; plus strand). Cytogenetic location: 12p13.2.
Variant type: Indel.
Coding change: c.724_730delinsG on transcript NM_001987.5 (MANE Select); coding-DNA positions 724 to 730, AATAATC replaced by G.
Protein change: p.Asn242_His244delinsAsp.
Molecular consequence: inframe indel.
Genome position (GRCh38, 1-based): chr12:11,869,684-11,869,690, AATAATC replaced by G. VCF-style: chr12-11869684-AATAATC-G. GRCh37 (hg19) VCF-style: chr12-12022618-AATAATC-G.
Other names: c.721_727delinsG, p.Asn241_His243delinsAsp (NM_001413913.1); c.697_703delinsG, p.Asn233_His235delinsAsp (NM_001413914.1); c.460_466delinsG, p.Asn154_His156delinsAsp (NM_001413915.1); c.724_730delinsG, p.Asn242_His244delinsAsp (NM_001413916.1, NM_001413917.1).
Identifiers: ClinVar variation 3846546 (VCV003846546.1).
Genomic context (GRCh38, chr12:11,869,684, plus strand): 5'-AGGCCGCACCAGGAGAACAACCACCAGGAGTCCTACCCTCTGTCAGTGTCTCCCATGGAG[AATAATC>G]ACTGCCCAGCGTCCTCCGAGTCCCACCCGAAGCCATCCAGCCCCCGGCAGGAGAGCACAC-3'

ClinVar aggregate classification (germline): Uncertain significance (1 of 4 stars; one submission).

Conditions:
Inborn genetic diseases. Identifiers: MedGen C0950123, MeSH D030342.

Submission:

Ambry Genetics
Classification: Uncertain significance for Inborn genetic diseases. Last evaluated: 2025-03-13. Review status: criteria provided, single submitter. Criteria: Ambry Variant Classification Scheme 2023. Collection method: clinical testing. Allele origin: germline.
Comment: The c.724_730delAATAATCinsG variant (also known as p.N242_H244delinsD), located in coding exon 5 of the ETV6 gene, results from an in-frame deletion of AATAATC and insertion of G at nucleotide positions 724 to 730. This results in the deletion of two asparagine residues and the substitution of a histidine for an aspartic acid residue at codons 242 to 244. This amino acid region is well conserved in available vertebrate species. In addition, this alteration is predicted to be deleterious by in silico analysis (Choi Y et al. PLoS ONE. 2012; 7(10):e46688). Based on the available evidence, the clinical significance of this variant remains unclear.